The following is an entry in ClinVar:

NM_003803.4(MYOM1):c.1441A>G (p.Thr481Ala)

Gene: MYOM1 (myomesin 1; minus strand). Cytogenetic location: 18p11.31.
Variant type: single nucleotide variant.
Coding change: c.1441A>G on transcript NM_003803.4 (MANE Select); coding-DNA position 1441, A replaced by G.
Protein change: p.Thr481Ala; replaces threonine 481 with alanine.
Molecular consequence: missense variant.
Genome position (GRCh38, 1-based): chr18:3,164,338, T>C on the plus strand (A>G on the coding strand, the complement: MYOM1 is on the minus strand). VCF-style: chr18-3164338-T-C. GRCh37 (hg19) VCF-style: chr18-3164336-T-C.
Other names: c.1441A>G, p.Thr481Ala (NM_019856.2); short protein forms T481A.
Identifiers: ClinVar variation 3682361 (VCV003682361.2).

ClinVar aggregate classification (germline): Uncertain significance (1 of 4 stars; one submission).

Conditions:
Hypertrophic cardiomyopathy. Also called: HYPERTROPHIC MYOCARDIOPATHY. Identifiers: Orphanet 217569, MedGen C0007194, MeSH D002312, MONDO:0005045, HP:0001639.

gnomAD v4.1: 3 of 1,612,728 alleles (0.00019%); highest among the groups gnomAD compares: Non-Finnish European, 0.00025%; no homozygotes.

Submission:

Labcorp Genetics (formerly Invitae), Labcorp
Classification: Uncertain significance for Hypertrophic cardiomyopathy. Last evaluated: 2024-10-28. Review status: criteria provided, single submitter. Criteria: Invitae Variant Classification Sherloc (09022015). Collection method: clinical testing. Allele origin: germline.
Comment: This sequence change replaces threonine, which is neutral and polar, with alanine, which is neutral and non-polar, at codon 481 of the MYOM1 protein (p.Thr481Ala). This variant is present in population databases (no rsID available, gnomAD 0.0009%). This variant has not been reported in the literature in individuals affected with MYOM1-related conditions. Invitae Evidence Modeling of protein sequence and biophysical properties (such as structural, functional, and spatial information, amino acid conservation, physicochemical variation, residue mobility, and thermodynamic stability) indicates that this missense variant is expected to disrupt MYOM1 protein function with a positive predictive value of 80%. In summary, the available evidence is currently insufficient to determine the role of this variant in disease. Therefore, it has been classified as a Variant of Uncertain Significance.